The following is an entry in ClinVar:

ClinVar aggregate classification (germline): Uncertain significance (1 of 4 stars; one submission).

Allele frequency attached by ClinVar (database versions not stated): gnomAD exomes 0.00001.
gnomAD v4.1: 3 of 1,613,592 alleles (0.00019%); highest among the groups gnomAD compares: East Asian, 0.0045%; no homozygotes.

Submission:

Labcorp Genetics (formerly Invitae), Labcorp
Classification: Uncertain significance. Last evaluated: 2023-08-06. Review status: criteria provided, single submitter. Criteria: Invitae Variant Classification Sherloc (09022015). Collection method: clinical testing. Allele origin: germline.
Comment: This sequence change replaces lysine, which is basic and polar, with threonine, which is neutral and polar, at codon 1097 of the AP3D1 protein (p.Lys1097Thr). This variant is present in population databases (no rsID available, gnomAD 0.0009%). This variant has not been reported in the literature in individuals affected with AP3D1-related conditions. An algorithm developed to predict the effect of missense changes on protein structure and function (PolyPhen-2) suggests that this variant is likely to be tolerated. In summary, the available evidence is currently insufficient to determine the role of this variant in disease. Therefore, it has been classified as a Variant of Uncertain Significance.

NM_001261826.3(AP3D1):c.3290A>C (p.Lys1097Thr)

Gene: AP3D1 (adaptor related protein complex 3 subunit delta 1; minus strand). Cytogenetic location: 19p13.3.
Variant type: single nucleotide variant.
Coding change: c.3290A>C on transcript NM_001261826.3 (MANE Select); coding-DNA position 3290, A replaced by C.
Protein change: p.Lys1097Thr; replaces lysine 1097 with threonine.
Molecular consequence: missense variant.
Genome position (GRCh38, 1-based): chr19:2,109,933, T>G on the plus strand (A>C on the coding strand, the complement: AP3D1 is on the minus strand). VCF-style: chr19-2109933-T-G. GRCh37 (hg19) VCF-style: chr19-2109932-T-G.
Other names: c.3254A>C, p.Lys1085Thr (NM_001374799.1); c.3104A>C, p.Lys1035Thr (NM_003938.8); short protein forms K1035T, K1097T, K1085T.
Identifiers: ClinVar variation 2750708 (VCV002750708.3), dbSNP rs1457060604, ClinGen allele CA403201219.